The following is an entry in ClinVar:

NM_000287.4(PEX6):c.2504G>A (p.Gly835Glu)

Gene: PEX6 (peroxisomal biogenesis factor 6; minus strand). Cytogenetic location: 6p21.1.
Variant type: single nucleotide variant.
Coding change: c.2504G>A on transcript NM_000287.4 (MANE Select); coding-DNA position 2504, G replaced by A.
Protein change: p.Gly835Glu; replaces glycine 835 with glutamic acid.
Molecular consequence: missense variant. On other transcripts: non-coding transcript variant (1).
Genome position (GRCh38, 1-based): chr6:42,965,336, C>T on the plus strand (G>A on the coding strand, the complement: PEX6 is on the minus strand). VCF-style: chr6-42965336-C-T. GRCh37 (hg19) VCF-style: chr6-42933074-C-T.
Other names: c.2240G>A, p.Gly747Glu (NM_001316313.2); short protein forms G747E, G835E.
Identifiers: ClinVar variation 1910481 (VCV001910481.2), dbSNP rs2481200234, ClinGen allele CA364151130.
Genomic context (GRCh38, chr6:42,965,336, plus strand): 5'-TCCAGGAGATCTGGTCTGTTGGTGGCTCCAATCACAAACACATCCTGAGTGCTGTGCAGC[C>T]CATCTAGCTCGGCAAGGAGCTGAGACACCACCCTGGAGAGAAGGGAGCAAGGGCAAGAGT-3'
Protein context (NP_000278.3, residues 825-845): VVSQLLAELD[Gly835Glu]LHSTQDVFVI

ClinVar aggregate classification (germline): Uncertain significance (1 of 4 stars; one submission).

Conditions:
Peroxisome biogenesis disorder. Identifiers: Orphanet 79189, MedGen C1832200, MONDO:0019234. Disease mechanism: loss of function.

Submission:

Labcorp Genetics (formerly Invitae), Labcorp
Classification: Uncertain significance for Peroxisome biogenesis disorder. Last evaluated: 2022-03-23. Review status: criteria provided, single submitter. Criteria: Invitae Variant Classification Sherloc (09022015). Collection method: clinical testing. Allele origin: germline.
Comment: This sequence change replaces glycine, which is neutral and non-polar, with glutamic acid, which is acidic and polar, at codon 835 of the PEX6 protein (p.Gly835Glu). This variant is not present in population databases (gnomAD no frequency). This variant has not been reported in the literature in individuals affected with PEX6-related conditions. Algorithms developed to predict the effect of missense changes on protein structure and function are either unavailable or do not agree on the potential impact of this missense change (SIFT: "Deleterious"; PolyPhen-2: "Probably Damaging"; Align-GVGD: "Class C0"). In summary, the available evidence is currently insufficient to determine the role of this variant in disease. Therefore, it has been classified as a Variant of Uncertain Significance.